The following is an entry in ClinVar:

ClinVar aggregate classification (germline): Uncertain significance (1 of 4 stars; one submission).

Submission:

GeneDx
Classification: Uncertain significance. Last evaluated: 2022-01-24. Review status: criteria provided, single submitter. Criteria: GeneDx Variant Classification Process June 2021. Collection method: clinical testing. Allele origin: germline. Affected: yes.
Comment: Has not been previously published as pathogenic or benign to our knowledge; Not observed at significant frequency in large population cohorts (gnomAD); In silico analysis supports that this missense variant does not alter protein structure/function

NM_007373.4(SHOC2):c.914A>G (p.Lys305Arg)

Gene: SHOC2 (SHOC2 leucine rich repeat scaffold protein; plus strand). Cytogenetic location: 10q25.2.
Variant type: single nucleotide variant.
Coding change: c.914A>G on transcript NM_007373.4 (MANE Select); coding-DNA position 914, A replaced by G.
Protein change: p.Lys305Arg; replaces lysine 305 with arginine.
Molecular consequence: missense variant. On other transcripts: non-coding transcript variant (1).
Genome position (GRCh38, 1-based): chr10:111,000,487, A>G. VCF-style: chr10-111000487-A-G. GRCh37 (hg19) VCF-style: chr10-112760245-A-G.
Other names: c.776A>G, p.Lys259Arg (NM_001269039.3); c.914A>G, p.Lys305Arg (NM_001324336.2, NM_001324337.2); short protein forms K259R, K305R.
Identifiers: ClinVar variation 1698000 (VCV001698000.2), dbSNP rs2134168650, ClinGen allele CA378522693.
Genomic context (GRCh38, chr10:111,000,487, plus strand): 5'-GTTTAAGTCGTCTTGGTCTGAGATATAACAGACTGTCAGCAATACCCAGATCATTAGCAA[A>G]ATGCAGTGCACTTGAAGAATTAAATTTAGAGAACAATAACATTTCTACTTTACCAGAGGT-3'
Protein context (NP_031399.2, residues 295-315): RLSAIPRSLA[Lys305Arg]CSALEELNLE